The following is an entry in ClinVar:

ClinVar aggregate classification (germline): Benign. Review status: criteria provided, multiple submitters, no conflicts (2 of 4 stars). 2 submissions from 2 submitters: Benign (2). Last evaluated 2019-12-31.

Conditions:
Long QT syndrome (LQTS). Identifiers: MedGen C0023976, MeSH D008133, MONDO:0002442. Disease mechanism: loss of function. Inheritance: Various modes of inheritance.

Allele frequency attached by ClinVar (database versions not stated): gnomAD 0.33346 and 0.33415; 1000 Genomes Project 0.33946; TOPMed 0.34412; 1000 Genomes Project 30x 0.34869.
gnomAD v4.1: 50,561 of 152,172 alleles (33%); highest among the groups gnomAD compares: African/African-American, 47%; 9,163 homozygotes.

Submissions (2):

Labcorp Genetics (formerly Invitae), Labcorp
Classification: Benign for Long QT syndrome. Last evaluated: 2019-12-31. Review status: criteria provided, single submitter. Criteria: Invitae Variant Classification Sherloc (09022015). Collection method: clinical testing. Allele origin: germline.

GeneDx
Classification: Benign. Last evaluated: 2018-06-14. Review status: criteria provided, single submitter. Criteria: GeneDx Variant Classification (06012015). Collection method: clinical testing. Allele origin: germline. Affected: yes.
Comment: This variant is considered likely benign or benign based on one or more of the following criteria: it is a conservative change, it occurs at a poorly conserved position in the protein, it is predicted to be benign by multiple in silico algorithms, and/or has population frequency not consistent with disease.

NM_000719.7(CACNA1C):c.1114-679A>G

Gene: CACNA1C (calcium voltage-gated channel subunit alpha1 C; plus strand). Cytogenetic location: 12p13.33.
Variant type: single nucleotide variant.
Coding change: c.1114-679A>G on transcript NM_000719.7 (MANE Select); 679 bases into the intron before coding-DNA position 1114, A replaced by G.
Molecular consequence: intron variant.
Genome position (GRCh38, 1-based): chr12:2,504,163, A>G. VCF-style: chr12-2504163-A-G. GRCh37 (hg19) VCF-style: chr12-2613329-A-G.
Other names: c.1114-273A>G (NM_001167624.3, NM_001167623.2, NM_001167625.2 and 1 more transcripts); c.1114-679A>G (NM_199460.4, NM_001129827.2, NM_001129832.2 and 14 more transcripts); c.1105-679A>G (NM_001129844.2).
Identifiers: ClinVar variation 683275 (VCV000683275.5), dbSNP rs11608740, ClinGen allele CA13680646.
Genomic context (GRCh38, chr12:2,504,163, plus strand): 5'-CCATCCCATGCTGAAGAAATTATTTTTTGAGGTGACCCATTTTCTCAGACAAGTGAATAG[A>G]AAACATTGGAGAAATGTTTCTTTTTCAGAAAATAAAACCACAGAGAGACAGAGTGATTCC-3'